The following is an entry in ClinVar:

NM_004817.4(TJP2):c.1134G>A (p.Gln378=)

Gene: TJP2 (tight junction protein 2; plus strand). Cytogenetic location: 9q21.11.
Variant type: single nucleotide variant.
Coding change: c.1134G>A on transcript NM_004817.4 (MANE Select); coding-DNA position 1134, G replaced by A.
Protein change: p.Gln378=; no amino-acid change (glutamine 378 retained).
Molecular consequence: synonymous variant.
Genome position (GRCh38, 1-based): chr9:69,226,099, G>A. VCF-style: chr9-69226099-G-A. GRCh37 (hg19) VCF-style: chr9-71841015-G-A.
Other names: c.1065G>A, p.Gln355= (NM_001170414.2, NM_001369870.1, NM_001369871.1); c.1146G>A, p.Gln382= (NM_001170415.1, NM_001369874.1, NM_001369875.1); c.1227G>A, p.Gln409= (NM_001170416.2); c.1134G>A, p.Gln378= (NM_001369872.1, NM_001369873.1, NM_201629.3).
Identifiers: ClinVar variation 4991593 (VCV004991593.1).

ClinVar aggregate classification (germline): Likely benign (1 of 4 stars; one submission).

Conditions:
TJP2-related disorder. Also called: TJP2-related condition.

gnomAD v4.1: 1 of 1,614,036 alleles (0.000062%); highest among the groups gnomAD compares: Admixed American, 0.0017%; no homozygotes.

Submission:

PreventionGenetics, part of Exact Sciences
Classification: Likely benign for TJP2-related condition. Last evaluated: 2026-08-31. Review status: criteria provided, single submitter. Criteria: ACMG Guidelines, 2015. Collection method: clinical testing. Allele origin: germline.
Comment: This variant is classified as likely benign based on ACMG/AMP sequence variant interpretation guidelines (Richards et al. 2015 PMID: 25741868, with internal and published modifications).